The following is an entry in ClinVar:

ClinVar aggregate classification (germline): Pathogenic (1 of 4 stars; one submission).

Conditions:
Alstrom syndrome (ALMS). Identifiers: Orphanet 64, MedGen C0268425, MONDO:0008763, OMIM 203800.

Submission:

Labcorp Genetics (formerly Invitae), Labcorp
Classification: Pathogenic for Alstrom syndrome. Last evaluated: 2026-01-12. Review status: criteria provided, single submitter. Criteria: Invitae Variant Classification Sherloc (09022015). Collection method: clinical testing. Allele origin: germline.
Comment: This sequence change creates a premature translational stop signal (p.Leu12Argfs*28) in the ALMS1 gene. It is expected to result in an absent or disrupted protein product. Loss-of-function variants in ALMS1 are known to be pathogenic (PMID: 17594715). The frequency data for this variant in the population databases is considered unreliable, as metrics indicate poor data quality at this position in the gnomAD database. This variant has not been reported in the literature in individuals affected with ALMS1-related conditions. ClinVar contains an entry for this variant (Variation ID: 3701168). For these reasons, this variant has been classified as Pathogenic.

Literature cited by the submitters: PubMed 17594715.

NM_001378454.1(ALMS1):c.35_38del (p.Leu12fs)

Gene: ALMS1 (ALMS1 centrosome and basal body associated protein; plus strand). Cytogenetic location: 2p13.1.
Variant type: Deletion.
Coding change: c.35_38del on transcript NM_001378454.1 (MANE Select); coding-DNA positions 35 to 38, 4 bases deleted (TGGA; older notation c.35_38delTGGA).
Protein change: p.Leu12fs; shifts the reading frame from leucine 12.
Molecular consequence: frameshift variant.
Genome position (GRCh38, 1-based): chr2:73,385,903-73,385,906, TGGA deleted. VCF-style (leftmost placement, unchanged base first): chr2-73385902-CTGGA-C. GRCh37 (hg19) VCF-style: chr2-73613030-CTGGA-C.
Other names: c.35_38del, p.Leu12fs (NM_015120.4); short protein forms L12fs.
Identifiers: ClinVar variation 3701168 (VCV003701168.2).